The following is an entry in ClinVar:

NM_021831.6(AGBL5):c.2059G>C (p.Val687Leu)

Gene: AGBL5 (AGBL carboxypeptidase 5; plus strand). Cytogenetic location: 2p23.3.
Variant type: single nucleotide variant.
Coding change: c.2059G>C on transcript NM_021831.6 (MANE Select); coding-DNA position 2059, G replaced by C.
Protein change: p.Val687Leu; replaces valine 687 with leucine.
Molecular consequence: missense variant. On other transcripts: non-coding transcript variant (2).
Genome position (GRCh38, 1-based): chr2:27,059,374, G>C. VCF-style: chr2-27059374-G-C. GRCh37 (hg19) VCF-style: chr2-27282242-G-C.
Other names: c.2059G>C, p.Val687Leu (NM_001035506.1, NM_001035507.3); short protein forms V687L.
Identifiers: ClinVar variation 1939370 (VCV001939370.5), dbSNP rs2465499340, ClinGen allele CA346188699.

ClinVar aggregate classification (germline): Uncertain significance (1 of 4 stars; one submission).

Allele frequency attached by ClinVar (database versions not stated): gnomAD exomes below 0.00001.
gnomAD v4.1: 1 of 1,614,218 alleles (0.000062%); highest among the groups gnomAD compares: Non-Finnish European, 0.000085%; no homozygotes.

Submission:

Labcorp Genetics (formerly Invitae), Labcorp
Classification: Uncertain significance. Last evaluated: 2021-12-23. Review status: criteria provided, single submitter. Criteria: Invitae Variant Classification Sherloc (09022015). Collection method: clinical testing. Allele origin: germline.
Comment: This sequence change replaces valine, which is neutral and non-polar, with leucine, which is neutral and non-polar, at codon 687 of the AGBL5 protein (p.Val687Leu). This variant is not present in population databases (gnomAD no frequency). This variant has not been reported in the literature in individuals affected with AGBL5-related conditions. Algorithms developed to predict the effect of missense changes on protein structure and function (SIFT, PolyPhen-2, Align-GVGD) all suggest that this variant is likely to be tolerated. In summary, the available evidence is currently insufficient to determine the role of this variant in disease. Therefore, it has been classified as a Variant of Uncertain Significance.